The following is an entry in ClinVar:

NM_001267550.2(TTN):c.57545-2A>G

Genes: TTN (titin; minus strand), TTN-AS1 (TTN antisense RNA 1; plus strand). Cytogenetic location: 2q31.2.
Variant type: single nucleotide variant.
Coding change: c.57545-2A>G on transcript NM_001267550.2 (MANE Select); the canonical splice acceptor site of the intron before coding-DNA position 57545, A replaced by G.
Molecular consequence: splice acceptor variant.
Genome position (GRCh38, 1-based): chr2:178,595,811, T>C on the plus strand (A>G on the coding strand, the complement: TTN is on the minus strand). VCF-style: chr2-178595811-T-C. GRCh37 (hg19) VCF-style: chr2-179460538-T-C.
Other names: c.30350-2A>G (NM_003319.4); c.30926-2A>G (NM_133437.4); c.30725-2A>G (NM_133432.3); c.49841-2A>G (NM_133378.4); c.52622-2A>G (NM_001256850.1).
Identifiers: ClinVar variation 1701921 (VCV001701921.4), dbSNP rs747068091, ClinGen allele CA1993025.

ClinVar aggregate classification (germline): Pathogenic/Likely pathogenic. Review status: criteria provided, multiple submitters, no conflicts (2 of 4 stars). 2 submissions from 2 submitters: Pathogenic (1); Likely pathogenic (1). Last evaluated 2023-09-29.

Conditions:
Desmin-related myofibrillar myopathy (MFM1). Also called: Desmin related myopathy (former name); Desmin storage myopathy (former name); Myofibrillar myopathy 1; Desminopathy; MYOFIBRILLAR MYOPATHY WITH ARRHYTHMOGENIC RIGHT VENTRICULAR CARDIOMYOPATHY; DESMIN-RELATED MYOPATHY WITH ARRHYTHMOGENIC RIGHT VENTRICULAR CARDIOMYOPATHY. Identifiers: Orphanet 363543, Orphanet 98909, MedGen C1832370, MONDO:0011076, OMIM 601419.
Dilated cardiomyopathy 1G (CMD1G). Identifiers: Orphanet 154, MedGen C1858763, MONDO:0011400, OMIM 604145.
Autosomal recessive limb-girdle muscular dystrophy type 2J (LGMDR10). Also called: MUSCULAR DYSTROPHY, LIMB-GIRDLE, AUTOSOMAL RECESSIVE 10; Limb-girdle muscular dystrophy, type 2J. Identifiers: Orphanet 140922, MedGen C1837342, MONDO:0012127, OMIM 608807.

Allele frequency attached by ClinVar (database versions not stated): gnomAD exomes 0.00001; ExAC 0.00002.
gnomAD v4.1: 6 of 1,587,178 alleles (0.00038%); highest among the groups gnomAD compares: South Asian, 0.007%; no homozygotes.

Submissions (2):

Labcorp Genetics (formerly Invitae), Labcorp
Classification: Likely pathogenic for Dilated cardiomyopathy 1G; Autosomal recessive limb-girdle muscular dystrophy type 2J. Last evaluated: 2023-09-29. Review status: criteria provided, single submitter. Criteria: Invitae Variant Classification Sherloc (09022015). Collection method: clinical testing. Allele origin: germline.
Comment: This variant is present in population databases (rs747068091, gnomAD 0.02%). This sequence change affects an acceptor splice site in intron 294 of the TTN gene. It is expected to disrupt RNA splicing and likely results in a truncated or disrupted TTN protein. This variant is located in the A band of TTN (PMID: 25589632). Truncating variants in this region are significantly overrepresented in patients affected with dilated cardiomyopathy (PMID: 25589632). Truncating variants in this region have also been reported in individuals affected with autosomal recessive centronuclear myopathy (PMID: 23975875). In summary, the currently available evidence indicates that the variant is pathogenic, but additional data are needed to prove that conclusively. Therefore, this variant has been classified as Likely Pathogenic. Algorithms developed to predict the effect of sequence changes on RNA splicing suggest that this variant may disrupt the consensus splice site. ClinVar contains an entry for this variant (Variation ID: 1701921). This variant has not been reported in the literature in individuals affected with TTN-related conditions.

Arcensus
Classification: Pathogenic for Desmin-related myofibrillar myopathy. Last evaluated: 2013-02-01. Review status: criteria provided, single submitter. Criteria: ACMG Guidelines, 2015. Collection method: clinical testing. Allele origin: germline. Affected: yes.

Literature cited by the submitters: PubMed 25589632 (cited by Labcorp Genetics (formerly Invitae), Labcorp); PubMed 23975875 (cited by Labcorp Genetics (formerly Invitae), Labcorp).